The following is an entry in ClinVar:

NM_032578.4(MYPN):c.1043G>A (p.Gly348Glu)

Gene: MYPN (myopalladin; plus strand). Cytogenetic location: 10q21.3.
Variant type: single nucleotide variant.
Coding change: c.1043G>A on transcript NM_032578.4 (MANE Select); coding-DNA position 1043, G replaced by A.
Protein change: p.Gly348Glu; replaces glycine 348 with glutamic acid.
Molecular consequence: missense variant. On other transcripts: non-coding transcript variant (2).
Genome position (GRCh38, 1-based): chr10:68,143,080, G>A. VCF-style: chr10-68143080-G-A. GRCh37 (hg19) VCF-style: chr10-69902837-G-A.
Other names: c.1043G>A, p.Gly348Glu (NM_001256267.2); c.161G>A, p.Gly54Glu (NM_001256268.2); short protein forms G348E, G54E.
Identifiers: ClinVar variation 4860693 (VCV004860693.1).

ClinVar aggregate classification (germline): Uncertain significance (1 of 4 stars; one submission).

Conditions:
Cardiovascular phenotype. Identifiers: MedGen CN230736.

Submission:

Ambry Genetics
Classification: Uncertain significance for Cardiovascular phenotype. Last evaluated: 2026-03-15. Review status: criteria provided, single submitter. Criteria: Ambry Variant Classification Scheme 2023. Collection method: clinical testing. Allele origin: germline.
Comment: The p.G348E variant (also known as c.1043G>A), located in coding exon 2 of the MYPN gene, results from a G to A substitution at nucleotide position 1043. The glycine at codon 348 is replaced by glutamic acid, an amino acid with similar properties. This amino acid position is conserved. In addition, this alteration is predicted to be deleterious by in silico analysis. Based on the available evidence, the clinical significance of this variant remains unclear.